The following is an entry in ClinVar:

ClinVar aggregate classification (germline): Pathogenic/Likely pathogenic. Review status: criteria provided, multiple submitters, no conflicts (2 of 4 stars). 2 submissions from 2 submitters: Pathogenic (1); Likely pathogenic (1). Last evaluated 2024-02-29.

Allele frequency attached by ClinVar (database versions not stated): TOPMed 0.00001; ExAC 0.00002.
gnomAD v4.1: 9 of 1,613,994 alleles (0.00056%); highest among the groups gnomAD compares: Non-Finnish European, 0.00076%; no homozygotes.

Submissions (2):

GeneDx
Classification: Pathogenic. Last evaluated: 2024-02-29. Review status: criteria provided, single submitter. Criteria: GeneDx Variant Classification Process June 2021. Collection method: clinical testing. Allele origin: germline. Affected: yes.
Comment: Published functional studies using patient-derived cells show a decrease in TBCD protein expression (PMID: 29921875); In silico analysis supports that this missense variant has a deleterious effect on protein structure/function; Not observed at significant frequency in large population cohorts (gnomAD); This variant is associated with the following publications: (PMID: 38003592, 29921875)

Labcorp Genetics (formerly Invitae), Labcorp
Classification: Likely pathogenic. Last evaluated: 2023-05-27. Review status: criteria provided, single submitter. Criteria: Invitae Variant Classification Sherloc (09022015). Collection method: clinical testing. Allele origin: germline.
Comment: This sequence change replaces asparagine, which is neutral and polar, with lysine, which is basic and polar, at codon 1033 of the TBCD protein (p.Asn1033Lys). This variant is present in population databases (rs748615072, gnomAD 0.002%). In summary, the currently available evidence indicates that the variant is pathogenic, but additional data are needed to prove that conclusively. Therefore, this variant has been classified as Likely Pathogenic. This missense change has been observed in individual(s) with TBCD-related conditions (PMID: 29921875). It has also been observed to segregate with disease in related individuals. Advanced modeling of protein sequence and biophysical properties (such as structural, functional, and spatial information, amino acid conservation, physicochemical variation, residue mobility, and thermodynamic stability) has been performed at Invitae for this missense variant, however the output from this modeling did not meet the statistical confidence thresholds required to predict the impact of this variant on TBCD protein function. Studies have shown that this missense change alters TBCD gene expression (PMID: 29921875).

Literature cited by the submitters: PubMed 29921875 (cited by Labcorp Genetics (formerly Invitae), Labcorp).

NM_005993.5(TBCD):c.3099C>G (p.Asn1033Lys)

Gene: TBCD (tubulin folding cofactor D). Cytogenetic location: 17q25.3.
Variant type: single nucleotide variant.
Coding change: c.3099C>G on transcript NM_005993.5 (MANE Select); coding-DNA position 3099, C replaced by G.
Protein change: p.Asn1033Lys; replaces asparagine 1033 with lysine.
Molecular consequence: missense variant.
Genome position (GRCh38, 1-based): chr17:82,930,629, C>G. VCF-style: chr17-82930629-C-G. GRCh37 (hg19) VCF-style: chr17-80888505-C-G.
Other names: c.3099C>G (NM_005993.4); c.3048C>G, p.Asn1016Lys (NM_001411101.1); c.3018C>G, p.Asn1006Lys (NM_001411102.1); short protein forms N1006K, N1033K, N1016K.
Identifiers: ClinVar variation 2910444 (VCV002910444.4), dbSNP rs748615072, ClinGen allele CA8863385.
Genomic context (GRCh38, chr17:82,930,629, plus strand): 5'-GAGCGACCCGCAGGCCCTGGGCAGCTTCAGCGGGACCCTTCTGCAGATCTTTGAGGACAA[C>G]CTTCTGAATGAGAGGTGAGTGGTGTCTCTTGGGGCCTCAGAGGCGTGAGTGGTGCTGGTG-3'
Protein context (NP_005984.3, residues 1023-1043): SGTLLQIFED[Asn1033Lys]LLNERVSVPL